The following is an entry in ClinVar:

NM_152703.5(SAMD9L):c.2128G>T (p.Val710Phe)

Gene: SAMD9L (sterile alpha motif domain containing 9 like; minus strand). Cytogenetic location: 7q21.2.
Variant type: single nucleotide variant.
Coding change: c.2128G>T on transcript NM_152703.5 (MANE Select); coding-DNA position 2128, G replaced by T.
Protein change: p.Val710Phe; replaces valine 710 with phenylalanine.
Molecular consequence: missense variant.
Genome position (GRCh38, 1-based): chr7:93,133,844, C>A on the plus strand (G>T on the coding strand, the complement: SAMD9L is on the minus strand). VCF-style: chr7-93133844-C-A. GRCh37 (hg19) VCF-style: chr7-92763157-C-A.
Other names: c.2128G>T, p.Val710Phe (NM_001303496.3, NM_001303497.3, NM_001303498.3 and 5 more transcripts); short protein forms V710F.
Identifiers: ClinVar variation 3437157 (VCV003437157.1).

ClinVar aggregate classification (germline): Uncertain significance (1 of 4 stars; one submission).

Conditions:
Inborn genetic diseases. Identifiers: MedGen C0950123, MeSH D030342.

Submission:

Ambry Genetics
Classification: Uncertain significance for Inborn genetic diseases. Last evaluated: 2024-11-22. Review status: criteria provided, single submitter. Criteria: Ambry Variant Classification Scheme 2023. Collection method: clinical testing. Allele origin: germline.
Comment: The p.V710F variant (also known as c.2128G>T), located in coding exon 1 of the SAMD9L gene, results from a G to T substitution at nucleotide position 2128. The valine at codon 710 is replaced by phenylalanine, an amino acid with highly similar properties. This amino acid position is conserved. In addition, the in silico prediction for this alteration is inconclusive. Based on the available evidence, the clinical significance of this variant remains unclear.